The following continues an entry in ClinVar:

NM_000104.4(CYP1B1):c.1169G>A (p.Arg390His)

Gene: CYP1B1. ClinVar aggregate classification (germline): Pathogenic. Pathogenic (1).

Submissions 10 to 15 of 15:

Genetics and Molecular Pathology, SA Pathology
Classification: Pathogenic for Anterior segment dysgenesis 6. Last evaluated: 2021-09-02. Review status: criteria provided, single submitter. Criteria: ACMG Guidelines, 2015. Collection method: clinical testing. Allele origin: germline. Affected: yes. Not counted in ClinVar's aggregate classification.

Genomic Research Center, Shahid Beheshti University of Medical Sciences
Classification: Likely pathogenic. Last evaluated: 2020-05-03. Review status: criteria provided, single submitter. Criteria: ACMG Guidelines, 2015. Collection method: clinical testing. Allele origin: unknown. Affected: no. Not counted in ClinVar's aggregate classification.

Eurofins Ntd Llc (ga)
Classification: Pathogenic. Last evaluated: 2018-08-03. Review status: criteria provided, single submitter. Criteria: EGL ClinVar v180209 classification definitions. Collection method: clinical testing. Allele origin: germline. Observed: 1 variant allele, 1 heterozygote. Not counted in ClinVar's aggregate classification.

Kariminejad - Najmabadi Pathology & Genetics Center
Classification: Likely pathogenic for Glaucoma 3A. Review status: criteria provided, single submitter. Criteria: ACMG Guidelines, 2015. Collection method: clinical testing. Allele origin: germline. Affected: no. Not counted in ClinVar's aggregate classification.

Neuberg Centre For Genomic Medicine, NCGM
Classification: Pathogenic for Anterior segment dysgenesis 6. Review status: criteria provided, single submitter. Criteria: ACMG Guidelines, 2015. Collection method: clinical testing. Allele origin: germline. Inheritance: Autosomal recessive inheritance. Affected: yes. Not counted in ClinVar's aggregate classification.

Institute of Basic Medical Sciences, Khyber Medical University, Peshawar
Classification: Pathogenic for Glaucoma 3A. Last evaluated: 2023-12-06. Review status: no assertion criteria provided. Collection method: research. Allele origin: germline. Inheritance: Autosomal recessive inheritance. Affected: yes. Observed: 1 homozygote. Not counted in ClinVar's aggregate classification.
Comment: This variant is classified as pathogenic and its already reported. The pubmed link for this article via PMID is 9497261

Literature cited by the submitters: PubMed 19536304 (cited by Labcorp Genetics (formerly Invitae), Labcorp and Eurofins Ntd Llc (ga)); PubMed 27508083 (cited by Labcorp Genetics (formerly Invitae), Labcorp and Eurofins Ntd Llc (ga)); PubMed 30108387 (cited by Labcorp Genetics (formerly Invitae), Labcorp); PubMed 15037581 (cited by Labcorp Genetics (formerly Invitae), Labcorp); PubMed 20664688 (cited by Labcorp Genetics (formerly Invitae), Labcorp); PubMed 17591938 (cited by Women's Health and Genetics/Laboratory Corporation of America, LabCorp); PubMed 25018621 (cited by Women's Health and Genetics/Laboratory Corporation of America, LabCorp); PubMed 35085548 (cited by Department of Paediatric Medicine, Post Graduation Institute of Medical Education and Research); PubMed 22878448 (cited by Eurofins Ntd Llc (ga)); PubMed 25527694 (cited by Eurofins Ntd Llc (ga)); PubMed 9497261 (cited by Eurofins Ntd Llc (ga) and Institute of Basic Medical Sciences, Khyber Medical University, Peshawar).